The following is an entry in ClinVar:

NM_004840.3(ARHGEF6):c.1118T>A (p.Leu373His)

Gene: ARHGEF6 (Rac/Cdc42 guanine nucleotide exchange factor 6; minus strand). Cytogenetic location: Xq26.3.
Variant type: single nucleotide variant.
Coding change: c.1118T>A on transcript NM_004840.3 (MANE Select); coding-DNA position 1118, T replaced by A.
Protein change: p.Leu373His; replaces leucine 373 with histidine.
Molecular consequence: missense variant.
Genome position (GRCh38, 1-based): chrX:136,690,677, A>T on the plus strand (T>A on the coding strand, the complement: ARHGEF6 is on the minus strand). VCF-style: chrX-136690677-A-T. GRCh37 (hg19) VCF-style: chrX-135772836-A-T.
Other names: c.1118T>A, p.Leu373His (NM_001440993.1, NM_001440995.1, NM_001440996.1); c.1199T>A, p.Leu400His (NM_001440994.1); c.947T>A, p.Leu316His (NM_001440997.1, NM_001440998.1); c.656T>A, p.Leu219His (NM_001306177.2); short protein forms L219H, L316H, L373H, L400H.
Identifiers: ClinVar variation 4882453 (VCV004882453.2).

ClinVar aggregate classification (germline): Uncertain significance (1 of 4 stars; one submission).

Conditions:
Intellectual developmental disorder, X-linked 46. Also called: Intellectual disability, X-linked 46. Identifiers: Orphanet 777, MedGen C1845526, MONDO:0010326, OMIM 300436.

Submission:

Dasa
Classification: Uncertain significance for Intellectual developmental disorder, X-linked 46. Last evaluated: 2025-11-01. Review status: criteria provided, single submitter. Criteria: DASA Assertion Criteria. Collection method: clinical testing. Allele origin: germline.
Comment: NM_004840.3(ARHGEF6):c.1118T>A (p.Leu373His) is a missense variant that results in the substitution of leucine with histidine. This variant is absent from population databases. The currently available literature and clinical evidence are not sufficient to establish a definitive association between this variant and the reported condition. Therefore, this variant is classified as a variant of uncertain significance.